The following is an entry in ClinVar:

ClinVar aggregate classification (germline): Conflicting classifications of pathogenicity. Review status: criteria provided, conflicting classifications (1 of 4 stars). 2 submissions from 2 submitters: Uncertain significance (1); Likely benign (1). Last evaluated 2025-09-24.

Conditions:
DICER1-related tumor predisposition. Also called: DICER1 syndrome; DICER1-related pleuropulmonary blastoma cancer predisposition syndrome. Identifiers: Orphanet 284343, MedGen C3839822, MONDO:0100216.

Submissions (2):

Quest Diagnostics Nichols Institute San Juan Capistrano
Classification: Uncertain significance. Last evaluated: 2025-09-24. Review status: criteria provided, single submitter. Criteria: Quest Diagnostics criteria. Collection method: clinical testing. Allele origin: unknown.
Comment: The DICER1 c.5603+10A>C variant has not been reported in individuals with DICER1-related conditions in the published literature. This variant has not been reported in large, multi-ethnic general populations (Genome Aggregation Database). Analysis of this variant using software algorithms for the prediction of the effect of nucleotide changes on splicing yielded predictions that this variant does not affect DICER1 mRNA splicing. Based on the available information, we are unable to determine the clinical significance of this variant.

Labcorp Genetics (formerly Invitae), Labcorp
Classification: Likely benign for DICER1-related tumor predisposition. Last evaluated: 2025-08-01. Review status: criteria provided, single submitter. Criteria: Invitae Variant Classification Sherloc (09022015). Collection method: clinical testing. Allele origin: germline.

NM_177438.3(DICER1):c.5603+10A>C

Gene: DICER1 (dicer 1, ribonuclease III; minus strand). Cytogenetic location: 14q32.13.
Variant type: single nucleotide variant.
Coding change: c.5603+10A>C on transcript NM_177438.3 (MANE Select); 10 bases into the intron after coding-DNA position 5603, A replaced by C.
Molecular consequence: intron variant.
Genome position (GRCh38, 1-based): chr14:95,091,024, T>G on the plus strand (A>C on the coding strand, the complement: DICER1 is on the minus strand). VCF-style: chr14-95091024-T-G. GRCh37 (hg19) VCF-style: chr14-95557361-T-G.
Other names: c.5603+10A>C (NM_001291628.2, NM_030621.4, NM_001271282.3); c.5440+10A>C (NM_001195573.1).
Identifiers: ClinVar variation 758718 (VCV000758718.11), dbSNP rs1595312698, ClinGen allele CA915946395.